The following is an entry in ClinVar:

NM_000245.4(MET):c.2195A>C (p.Glu732Ala)

Gene: MET (MET proto-oncogene, receptor tyrosine kinase; plus strand). Cytogenetic location: 7q31.2.
Variant type: single nucleotide variant.
Coding change: c.2195A>C on transcript NM_000245.4 (MANE Select); coding-DNA position 2195, A replaced by C.
Protein change: p.Glu732Ala; replaces glutamic acid 732 with alanine.
Molecular consequence: missense variant.
Genome position (GRCh38, 1-based): chr7:116,758,551, A>C. VCF-style: chr7-116758551-A-C. GRCh37 (hg19) VCF-style: chr7-116398605-A-C.
Other names: c.2195A>C, p.Glu732Ala (NM_001127500.3, NM_001324401.3); c.905A>C, p.Glu302Ala (NM_001324402.2); short protein forms E732A, E302A.
Identifiers: ClinVar variation 1038882 (VCV001038882.6), dbSNP rs1794276426, ClinGen allele CA368980685.
Genomic context (GRCh38, chr7:116,758,551, plus strand): 5'-CAGCCCAAACCATTTCAACTGAGTTTGCTGTTAAATTGAAAATTGACTTAGCCAACCGAG[A>C]GACAAGCATCTTCAGTTACCGTGAAGATCCCATTGTCTATGAAATTCATCCAACCAAATC-3'
Protein context (NP_000236.2, residues 722-742): VKLKIDLANR[Glu732Ala]TSIFSYREDP

ClinVar aggregate classification (germline): Uncertain significance (1 of 4 stars; one submission).

Conditions:
Renal cell carcinoma. Identifiers: Orphanet 217071, MedGen C0007134, MeSH D002292, MONDO:0005086, HP:0005584.

Submission:

Labcorp Genetics (formerly Invitae), Labcorp
Classification: Uncertain significance for Renal cell carcinoma. Last evaluated: 2022-01-20. Review status: criteria provided, single submitter. Criteria: Invitae Variant Classification Sherloc (09022015). Collection method: clinical testing. Allele origin: germline.
Comment: This sequence change replaces glutamic acid, which is acidic and polar, with alanine, which is neutral and non-polar, at codon 732 of the MET protein (p.Glu732Ala). This variant is not present in population databases (gnomAD no frequency). This variant has not been reported in the literature in individuals affected with MET-related conditions. ClinVar contains an entry for this variant (Variation ID: 1038882). Algorithms developed to predict the effect of missense changes on protein structure and function (SIFT, PolyPhen-2, Align-GVGD) all suggest that this variant is likely to be tolerated. In summary, the available evidence is currently insufficient to determine the role of this variant in disease. Therefore, it has been classified as a Variant of Uncertain Significance.